The following is an entry in ClinVar:

ClinVar aggregate classification (germline): Uncertain significance (1 of 4 stars; one submission).

Allele frequency attached by ClinVar (database versions not stated): TOPMed 0.00001; gnomAD exomes below 0.00001; ExAC 0.00001; gnomAD 0.00001.

Submission:

Labcorp Genetics (formerly Invitae), Labcorp
Classification: Uncertain significance. Last evaluated: 2019-07-29. Review status: criteria provided, single submitter. Criteria: Invitae Variant Classification Sherloc (09022015). Collection method: clinical testing. Allele origin: germline.
Comment: This sequence change replaces serine with cysteine at codon 195 of the RGR protein (p.Ser195Cys). The serine residue is highly conserved and there is a moderate physicochemical difference between serine and cysteine. This variant has not been reported in the literature in individuals with RGR-related conditions. Algorithms developed to predict the effect of missense changes on protein structure and function are either unavailable or do not agree on the potential impact of this missense change (SIFT: "Tolerated"; PolyPhen-2: "Not Available"; Align-GVGD: "Class C0"). This variant is present in population databases (rs778893091, ExAC 0.01%). In summary, the available evidence is currently insufficient to determine the role of this variant in disease. Therefore, it has been classified as a Variant of Uncertain Significance.

NM_001012720.2(RGR):c.584C>G (p.Ser195Cys)

Gene: RGR (retinal G protein coupled receptor; plus strand). Cytogenetic location: 10q23.1.
Variant type: single nucleotide variant.
Coding change: c.584C>G on transcript NM_001012720.2 (MANE Select); coding-DNA position 584, C replaced by G.
Protein change: p.Ser195Cys; replaces serine 195 with cysteine.
Molecular consequence: missense variant.
Genome position (GRCh38, 1-based): chr10:84,254,397, C>G. VCF-style: chr10-84254397-C-G. GRCh37 (hg19) VCF-style: chr10-86014153-C-G.
Other names: c.584C>G, p.Ser195Cys (NM_001012722.2); c.596C>G, p.Ser199Cys (NM_002921.4); short protein forms S199C, S195C.
Identifiers: ClinVar variation 961920 (VCV000961920.9), dbSNP rs778893091, ClinGen allele CA5581497.